The following is an entry in ClinVar:

ClinVar aggregate classification (germline): Uncertain significance. Review status: criteria provided, multiple submitters, no conflicts (2 of 4 stars). 3 submissions from 3 submitters: Uncertain significance (3). Last evaluated 2022-05-11.

Conditions:
Nephronophthisis 14 (NPHP14). Identifiers: Orphanet 2318, MedGen C3539071, MONDO:0013916, OMIM 614844.

Allele frequency attached by ClinVar (database versions not stated): TOPMed below 0.00001; gnomAD 0.00001; gnomAD exomes 0.00001 and 0.00002; ExAC 0.00002.
gnomAD v4.1: 9 of 1,612,396 alleles (0.00056%); highest among the groups gnomAD compares: Middle Eastern, 0.016%; no homozygotes.

Submissions (3):

Ambry Genetics
Classification: Uncertain significance. Last evaluated: 2022-05-11. Review status: criteria provided, single submitter. Criteria: Ambry Variant Classification Scheme 2023. Collection method: clinical testing. Allele origin: germline.

Labcorp Genetics (formerly Invitae), Labcorp
Classification: Uncertain significance for Nephronophthisis 14. Last evaluated: 2018-08-14. Review status: criteria provided, single submitter. Criteria: Invitae Variant Classification Sherloc (09022015). Collection method: clinical testing. Allele origin: germline.
Comment: This sequence change replaces alanine with threonine at codon 17 of the ZNF423 protein (p.Ala17Thr). The alanine residue is weakly conserved and there is a small physicochemical difference between alanine and threonine. This variant is present in population databases (rs777866403, ExAC 0.003%). This variant has not been reported in the literature in individuals with ZNF423-related disease. Algorithms developed to predict the effect of missense changes on protein structure and function output the following: SIFT: "Tolerated"; PolyPhen-2: "Benign"; Align-GVGD: "Class C0". The threonine amino acid residue is found in multiple mammalian species, suggesting that this missense change does not adversely affect protein function. These predictions have not been confirmed by published functional studies and their clinical significance is uncertain. In summary, the available evidence is currently insufficient to determine the role of this variant in disease. Therefore, it has been classified as a Variant of Uncertain Significance.

Breakthrough Genomics
Classification: Uncertain significance. Review status: criteria provided, single submitter. Criteria: ACMG Guidelines, 2015. Collection method: not provided. Allele origin: germline. Inheritance: Autosomal recessive inheritance. Affected: yes.

NM_001379286.1(ZNF423):c.73G>A (p.Ala25Thr)

Gene: ZNF423 (zinc finger protein 423; minus strand). Cytogenetic location: 16q12.1.
Variant type: single nucleotide variant.
Coding change: c.73G>A on transcript NM_001379286.1 (MANE Select); coding-DNA position 73, G replaced by A.
Protein change: p.Ala25Thr; replaces alanine 25 with threonine.
Molecular consequence: missense variant. On other transcripts: 5 prime UTR variant (1).
Genome position (GRCh38, 1-based): chr16:49,789,514, C>T on the plus strand (G>A on the coding strand, the complement: ZNF423 is on the minus strand). VCF-style: chr16-49789514-C-T. GRCh37 (hg19) VCF-style: chr16-49823425-C-T.
Other names: c.-132G>A (NM_001271620.2); c.49G>A, p.Ala17Thr (NM_015069.5); c.49G>A (NM_015069.2); short protein forms A17T, A25T.
Identifiers: ClinVar variation 661009 (VCV000661009.10), dbSNP rs777866403, ClinGen allele CA8046980.
Genomic context (GRCh38, chr16:49,789,514, plus strand): 5'-CTGCAACTCTTCCACCAGCCCCCGGGCATTTACCTGCTGCTGTCACGGAGGAATCCCAGG[C>T]CAGCGAGAAGTCTGAGGCCTCCCCCTCTTCAACTGAAAGAGAGAACAGAGATGGGCCTGT-3'
Protein context (NP_001366215.1, residues 15-35): EEGEASDFSL[Ala25Thr]WDSSVTAAGG